The following is an entry in ClinVar:

ClinVar aggregate classification (germline): Pathogenic (1 of 4 stars; one submission).

Conditions:
T-B+ severe combined immunodeficiency due to JAK3 deficiency. Also called: SCID, autosomal recessive, T-negative/B-positive type; SCID, T CELL-NEGATIVE, B CELL-POSITIVE, NK CELL-NEGATIVE. Identifiers: Orphanet 35078, MedGen C1833275, MONDO:0010938, OMIM 600802.

gnomAD v4.1: 2 of 1,085,616 alleles (0.00018%); highest among the groups gnomAD compares: Non-Finnish European, 0.00027%; no homozygotes.

Submission:

Labcorp Genetics (formerly Invitae), Labcorp
Classification: Pathogenic for T-B+ severe combined immunodeficiency due to JAK3 deficiency. Last evaluated: 2025-06-11. Review status: criteria provided, single submitter. Criteria: Invitae Variant Classification Sherloc (09022015). Collection method: clinical testing. Allele origin: germline.
Comment: This sequence change affects a donor splice site in intron 17 of the JAK3 gene. RNA analysis indicates that disruption of this splice site induces altered splicing and may result in an absent or altered protein product. This variant is not present in population databases (gnomAD no frequency). Disruption of this splice site has been observed in individual(s) with severe combined immunodeficiency (PMID: 8704236). This variant is also known as "mutation (T to C) of a splice donor site of intron 16". ClinVar contains an entry for this variant (Variation ID: 3723483). Studies have shown that disruption of this splice site alters JAK3 gene expression (PMID: 7659163). Studies have shown that disruption of this splice site results in skipping of exon 17, and produces a non-functional protein and/or introduces a premature termination codon (PMID: 7659163). For these reasons, this variant has been classified as Pathogenic.

Literature cited by the submitters: PubMed 8704236; PubMed 7659163.

NM_000215.4(JAK3):c.2350+2T>C

Gene: JAK3 (Janus kinase 3; minus strand). Cytogenetic location: 19p13.11.
Variant type: single nucleotide variant.
Coding change: c.2350+2T>C on transcript NM_000215.4 (MANE Select); the canonical splice donor site of the intron after coding-DNA position 2350, T replaced by C.
Molecular consequence: splice donor variant.
Genome position (GRCh38, 1-based): chr19:17,834,569, A>G on the plus strand (T>C on the coding strand, the complement: JAK3 is on the minus strand). VCF-style: chr19-17834569-A-G. GRCh37 (hg19) VCF-style: chr19-17945378-A-G.
Identifiers: ClinVar variation 3723483 (VCV003723483.2).
Genomic context (GRCh38, chr19:17,834,569, plus strand): 5'-TCCTTCCACTGGGCCCAATATGACATCACAGCCCTCCCCACCCAACCCGTCCCAGCGGGC[A>G]CCTGAAGAGATGAGGCTATTGAGGTCACGAATGACGGCTCGGAAGGAGGGCCTCTGGACC-3'